The following is an entry in ClinVar:

ClinVar aggregate classification (germline): Conflicting classifications of pathogenicity. Review status: criteria provided, conflicting classifications (1 of 4 stars). 3 submissions from 3 submitters: Likely pathogenic (1); Uncertain significance (2). Last evaluated 2025-03-12.

Conditions:
Nemaline myopathy 2 (NEM2). Also called: Nemaline myopathy 2, autosomal recessive. Identifiers: MedGen C1850569, MONDO:0009725, OMIM 256030.
Nemaline myopathy. Also called: Myopathies, Nemaline. Identifiers: Orphanet 607, MedGen C0206157, MONDO:0018958.

Allele frequency attached by ClinVar (database versions not stated): gnomAD exomes 0.00001.
gnomAD v4.1: 2 of 314,156 alleles (0.00064%); highest among the groups gnomAD compares: Non-Finnish European, 0.001%; no homozygotes.

Submissions (3):

Women's Health and Genetics/Laboratory Corporation of America, LabCorp
Classification: Likely pathogenic for Nemaline myopathy. Last evaluated: 2025-03-12. Review status: criteria provided, single submitter. Criteria: LabCorp Variant Classification Summary - May 2015. Collection method: clinical testing. Allele origin: germline.
Comment: Variant summary: NEB c.13059+5G>A alters a nucleotide located close to a canonical splice site and therefore could affect mRNA splicing, leading to a significantly altered protein sequence. Several computational tools predict a significant impact on normal splicing: Two predict the variant abolishes a 5' splicing donor site. At least one publication reports experimental evidence that this variant affects mRNA splicing (Karimi_2024). The variant allele was found at a frequency of 2.6e-05 in 39192 control chromosomes (gnomAD). c.13059+5G>A has been reported in the literature in individuals affected with Nemaline Myopathy 2 (Lehtokari_2014, Karimi_2024). The following publications have been ascertained in the context of this evaluation (PMID: 25205138, 38634969). ClinVar contains an entry for this variant (Variation ID: 2154406). Based on the evidence outlined above, the variant was classified as likely pathogenic.

Broad Center for Mendelian Genomics, Broad Institute of MIT and Harvard
Classification: Uncertain significance for Nemaline myopathy. Last evaluated: 2025-03-11. Review status: criteria provided, single submitter. Criteria: ACMG Guidelines, 2015. Collection method: curation. Allele origin: germline. Inheritance: Autosomal recessive inheritance.
Comment: The c.13059+5G>A variant in NEB has been reported, in the compound heterozygous state, in one individual with nemaline myopathy (PMID: 25205138), and has been identified in 0.001% (2/174462) of European (non-Finnish) chromosomes by the Genome Aggregation Database (gnomAD; dbSNP ID: rs1216016300). Although this variant has been seen in the general population in a heterozygous state, its frequency is low enough to be consistent with a recessive carrier frequency. This variant has also been reported in ClinVar (Variation ID: 2154406) and has been interpreted as a variant of uncertain significance by Invitae. This variant is located in the 3‚Äô splice region. Computational tools do suggest an impact to splicing. However, this information is not predictive enough to determine pathogenicity. In summary, while there is some suspicion for a pathogenic role, the clinical significance of this variant is uncertain. ACMG/AMP Criteria applied: PP3, PM2_supporting, PM3_supporting (Richards 2015).

Labcorp Genetics (formerly Invitae), Labcorp
Classification: Uncertain significance for Nemaline myopathy 2. Last evaluated: 2016-03-24. Review status: criteria provided, single submitter. Criteria: Invitae Variant Classification Sherloc (09022015). Collection method: clinical testing. Allele origin: germline.
Comment: This variant occurs in a region of NEB (Exons 82-105) consisting of three highly homologous 8-exon repeat units (exons 82-89, exons 90-97, exons 98-105). Sequence variants in this region can be detected, but this assay cannot determine which of the three repeat units is affected, and zygosity is often ambiguous. All variants in this region are reported relative to the exon 82-89 repeat. This sequence change affects a highly conserved nucleotide near the intron 85 donor splice site. While this variant is not present in population databases (no rsID), the frequency information is unreliable, as metrics indicate poor data quality at this position in the ExAC database. This variant has been reported in a family affected with nemaline myopathy. Currently there is insufficient evidence to conclude whether this variant segregates with disease or not (PMID: 25205138). Nucleotide substitutions at the +5 position of the intron are relatively common causes of aberrant splicing (PMID: 17576681). Algorithms developed to predict the effect of nucleotide changes on mRNA splicing suggest that this variant may alter mRNA splicing, but this prediction has not been confirmed by published transcriptional studies. In summary, this variant had been observed in a family affected with nemaline myopathy, and affects a conserved intronic position. this change has been classified as a Variant of Uncertain Significance. In summary, this is an intronic change that has been previously reported in a single affected family and that has an uncertain impact on splicing. It has been classified as a Variant of Uncertain Significance.

Literature cited by the submitters: PubMed 25205138 (cited by Women's Health and Genetics/Laboratory Corporation of America, LabCorp and Labcorp Genetics (formerly Invitae), Labcorp); PubMed 38634969 (cited by Women's Health and Genetics/Laboratory Corporation of America, LabCorp); PubMed 17576681 (cited by Labcorp Genetics (formerly Invitae), Labcorp).

NM_001164508.2(NEB):c.13059+5G>A

Gene: NEB (nebulin; minus strand). Cytogenetic location: 2q23.3.
Variant type: single nucleotide variant.
Coding change: c.13059+5G>A on transcript NM_001164508.2 (MANE Select); 5 bases into the intron after coding-DNA position 13059, G replaced by A.
Molecular consequence: intron variant.
Genome position (GRCh38, 1-based): chr2:151,604,555, C>T on the plus strand (G>A on the coding strand, the complement: NEB is on the minus strand). VCF-style: chr2-151604555-C-T. GRCh37 (hg19) VCF-style: chr2-152461069-C-T.
Other names: c.11601+5254G>A (NM_004543.5); c.13059+5G>A (NM_001164507.2, NM_001271208.2).
Identifiers: ClinVar variation 2154406 (VCV002154406.3), dbSNP rs1216016300, ClinGen allele CA536636625.